The following is an entry in ClinVar:

ClinVar aggregate classification (germline): Benign/Likely benign. Review status: criteria provided, multiple submitters, no conflicts (2 of 4 stars). 2 submissions from 2 submitters: Benign (1); Likely benign (1). Last evaluated 2024-06-27.

Conditions:
Hereditary cancer-predisposing syndrome. Also called: Neoplastic Syndromes, Hereditary; Tumor predisposition; Hereditary Cancer Syndrome; Hereditary neoplastic syndrome. Identifiers: Orphanet 140162, MedGen C0027672, MeSH D009386, MONDO:0015356.
Oligodontia-cancer predisposition syndrome. Also called: TOOTH AGENESIS-COLORECTAL CANCER SYNDROME. Identifiers: Orphanet 300576, MedGen C1837750, MONDO:0012075, OMIM 608615. Disease mechanism: loss of function.

Submissions (2):

Myriad Genetics, Inc.
Classification: Benign for Oligodontia-cancer predisposition syndrome. Last evaluated: 2024-06-27. Review status: criteria provided, single submitter. Criteria: Myriad Autosomal Dominant, Autosomal Recessive and X-Linked Classification Criteria (2023). Collection method: clinical testing. Allele origin: unknown.
Comment: This variant is considered benign. This variant is a silent/synonymous amino acid change and it is not expected to impact splicing.

Ambry Genetics
Classification: Likely benign for Hereditary cancer-predisposing syndrome. Last evaluated: 2021-07-14. Review status: criteria provided, single submitter. Criteria: Ambry Variant Classification Scheme 2023. Collection method: clinical testing. Allele origin: germline.

NM_004655.4(AXIN2):c.789C>G (p.Ser263=)

Gene: AXIN2 (axin 2; minus strand). Cytogenetic location: 17q24.1.
Variant type: single nucleotide variant.
Coding change: c.789C>G on transcript NM_004655.4 (MANE Select); coding-DNA position 789, C replaced by G.
Protein change: p.Ser263=; no amino-acid change (serine 263 retained).
Molecular consequence: synonymous variant.
Genome position (GRCh38, 1-based): chr17:65,557,832, G>C on the plus strand (C>G on the coding strand, the complement: AXIN2 is on the minus strand). VCF-style: chr17-65557832-G-C. GRCh37 (hg19) VCF-style: chr17-63553950-G-C.
Other names: c.789C>G, p.Ser263= (NM_001363813.1).
Identifiers: ClinVar variation 1761077 (VCV001761077.3), dbSNP rs2144581971, ClinGen allele CA501476789.